The following is an entry in ClinVar:

NM_001032283.3(TMPO):c.565+1183C>T

Gene: TMPO (thymopoietin; plus strand). Cytogenetic location: 12q23.1.
Variant type: single nucleotide variant.
Coding change: c.565+1183C>T on transcript NM_001032283.3 (MANE Select); 1183 bases into the intron after coding-DNA position 565, C replaced by T.
Molecular consequence: intron variant. On other transcripts: missense variant (1).
Genome position (GRCh38, 1-based): chr12:98,533,021, C>T. VCF-style: chr12-98533021-C-T. GRCh37 (hg19) VCF-style: chr12-98926799-C-T.
Other names: c.764C>T, p.Pro255Leu (NM_003276.2); c.565+1183C>T (NM_001307975.2, NM_001032284.3); short protein forms P255L.
Identifiers: ClinVar variation 430245 (VCV000430245.7), dbSNP rs762263378, ClinGen allele CA6732282.

ClinVar aggregate classification (germline): Uncertain significance. Review status: criteria provided, multiple submitters, no conflicts (2 of 4 stars). 2 submissions from 2 submitters: Uncertain significance (2). Last evaluated 2025-12-29.

Conditions:
Loeys-Dietz syndrome 2 (LDS2). Also called: TGFBR2-Related Loeys-Dietz Syndrome; Marfan syndrome, type 2 (formerly); Marfan Syndrome type 2; Marfan like connective tissue disorder; MFS 2; AORTIC ANEURYSM, FAMILIAL THORACIC 3. Identifiers: Orphanet 284973, Orphanet 558, MedGen C2674574, MONDO:0012427, OMIM 610168.

Allele frequency attached by ClinVar (database versions not stated): TOPMed below 0.00001; gnomAD 0.00001; gnomAD exomes 0.00001 and 0.00003; ExAC 0.00003.
gnomAD v4.1: 17 of 1,613,562 alleles (0.0011%); highest among the groups gnomAD compares: Middle Eastern, 0.016%; no homozygotes.

Submissions (2):

Labcorp Genetics (formerly Invitae), Labcorp
Classification: Uncertain significance for Loeys-Dietz syndrome 2. Last evaluated: 2025-12-29. Review status: criteria provided, single submitter. Criteria: Invitae Variant Classification Sherloc (09022015). Collection method: clinical testing. Allele origin: germline.
Comment: This sequence change replaces proline, which is neutral and non-polar, with leucine, which is neutral and non-polar, at codon 255 of the TMPO protein (p.Pro255Leu). This variant is present in population databases (rs762263378, gnomAD 0.006%). This variant has not been reported in the literature in individuals affected with TMPO-related conditions. ClinVar contains an entry for this variant (Variation ID: 430245). Invitae Evidence Modeling of protein sequence and biophysical properties (such as structural, functional, and spatial information, amino acid conservation, physicochemical variation, residue mobility, and thermodynamic stability) indicates that this missense variant is not expected to disrupt TMPO protein function with a negative predictive value of 80%. In summary, the available evidence is currently insufficient to determine the role of this variant in disease. Therefore, it has been classified as a Variant of Uncertain Significance.

GeneDx
Classification: Uncertain significance. Last evaluated: 2017-05-10. Review status: criteria provided, single submitter. Criteria: GeneDx Variant Classification (06012015). Collection method: clinical testing. Allele origin: germline. Affected: yes.
Comment: A variant of uncertain significance has been identified in the TMPO gene. The P255L variant has not been published as pathogenic or been reported as benign to our knowledge. This variant is not observed at a significant frequency in large population cohorts (Lek et al., 2016; 1000 Genomes Consortium et al., 2015; Exome Variant Server). The P255L variant is a semi-conservative amino acid substitution, which may impact secondary protein structure as these residues differ in some properties. This substitution occurs at a position that is not conserved, though leucine is not tolerated at this position in any species. Furthermore, in silico analysis is inconsistent in its predictions as to whether or not the variant is damaging to the protein structure/function.